The following is an entry in ClinVar:

ClinVar aggregate classification (germline): Uncertain significance (1 of 4 stars; one submission).

Submission:

CeGaT Center for Human Genetics Tuebingen
Classification: Uncertain significance. Last evaluated: 2024-03-01. Review status: criteria provided, single submitter. Criteria: CeGaT Center For Human Genetics Tuebingen Variant Classification Criteria Version 2. Collection method: clinical testing. Allele origin: germline. Affected: yes. Observed: 1 variant allele.
Comment: KIF26B: PM2, PP3

NM_018012.4(KIF26B):c.2233A>C (p.Asn745His)

Gene: KIF26B (kinesin family member 26B; plus strand). Cytogenetic location: 1q44.
Variant type: single nucleotide variant.
Coding change: c.2233A>C on transcript NM_018012.4 (MANE Select); coding-DNA position 2233, A replaced by C.
Protein change: p.Asn745His; replaces asparagine 745 with histidine.
Molecular consequence: missense variant.
Genome position (GRCh38, 1-based): chr1:245,646,255, A>C. VCF-style: chr1-245646255-A-C. GRCh37 (hg19) VCF-style: chr1-245809557-A-C.
Other names: short protein forms N745H.
Identifiers: ClinVar variation 3067762 (VCV003067762.21), dbSNP rs2527542661, ClinGen allele CA345499279.
Genomic context (GRCh38, chr1:245,646,255, plus strand): 5'-GGAGGCTCAGGGCTGTGTCTCTCGCTGTCTGCTCTGGGCAATGTCATCCTGGCTCTCGTC[A>C]ATGGCAGCAAACACATTCCATACAAGTAAGTGACTCTTCTACTCAAAGAATGTGGTGGGG-3'
Protein context (NP_060482.2, residues 735-755): ALGNVILALV[Asn745His]GSKHIPYKES